The following is an entry in ClinVar:

ClinVar aggregate classification (germline): Uncertain significance (1 of 4 stars; one submission).

Conditions:
Cardiovascular phenotype. Identifiers: MedGen CN230736.

gnomAD v4.1: 2 of 1,549,940 alleles (0.00013%); highest among the groups gnomAD compares: Non-Finnish European, 0.000087%; no homozygotes.

Submission:

Ambry Genetics
Classification: Uncertain significance for Cardiovascular phenotype. Last evaluated: 2025-05-30. Review status: criteria provided, single submitter. Criteria: Ambry Variant Classification Scheme 2023. Collection method: clinical testing. Allele origin: germline.
Comment: The p.P610R variant (also known as c.1829C>G), located in coding exon 1 of the ZNF469 gene, results from a C to G substitution at nucleotide position 1829. The proline at codon 610 is replaced by arginine, an amino acid with dissimilar properties. This amino acid position is conserved. In addition, this alteration is predicted to be tolerated by in silico analysis. Based on the available evidence, the clinical significance of this variant remains unclear.

NM_001367624.2(ZNF469):c.1829C>G (p.Pro610Arg)

Gene: ZNF469 (zinc finger protein 469; plus strand). Cytogenetic location: 16q24.2.
Variant type: single nucleotide variant.
Coding change: c.1829C>G on transcript NM_001367624.2 (MANE Select); coding-DNA position 1829, C replaced by G.
Protein change: p.Pro610Arg; replaces proline 610 with arginine.
Molecular consequence: missense variant.
Genome position (GRCh38, 1-based): chr16:88,429,299, C>G. VCF-style: chr16-88429299-C-G. GRCh37 (hg19) VCF-style: chr16-88495707-C-G.
Other names: NM_001127464.1:c.1829C>G; short protein forms P610R.
Identifiers: ClinVar variation 3987371 (VCV003987371.1).